The following is an entry in ClinVar:

ClinVar aggregate classification (germline): Pathogenic. Review status: criteria provided, single submitter (1 of 4 stars). 2 submissions from 2 submitters: Pathogenic (1). 1 of the submissions does not count toward it. Last evaluated 2026-06-01.

Conditions:
Cystic fibrosis (CF). Also called: MUCOVISCIDOSIS. Identifiers: Orphanet 586, MedGen C0010674, MONDO:0009061, OMIM 219700. Disease mechanism: loss of function.

Submissions (2):

Women's Health and Genetics/Laboratory Corporation of America, LabCorp
Classification: Pathogenic for Cystic fibrosis. Last evaluated: 2026-06-01. Review status: criteria provided, single submitter. Criteria: LabCorp Variant Classification Summary - May 2015. Collection method: clinical testing. Allele origin: germline.
Comment: Variant summary: CFTR c.4143C>G (p.Tyr1381X) results in a premature termination codon, predicted to cause a truncation of the encoded protein or absence of the protein due to nonsense mediated decay, which are commonly known mechanisms for disease. The variant was absent in 249790 control chromosomes. c.4143C>G has been observed in individual(s) affected with Cystic Fibrosis (e.g., Alonso_2007). To our knowledge, no experimental evidence demonstrating an impact on protein function has been reported. The following publication have been ascertained in the context of this evaluation (PMID: 17331079). ClinVar contains an entry for this variant (Variation ID: 371287). Based on the evidence outlined above, the variant was classified as pathogenic.

Counsyl
Classification: Likely pathogenic for Cystic fibrosis. Last evaluated: 2016-08-18. Review status: no assertion criteria provided. Collection method: clinical testing. Allele origin: unknown. Not counted in ClinVar's aggregate classification.

Literature cited by the submitters: PubMed 17331079 (cited by Women's Health and Genetics/Laboratory Corporation of America, LabCorp).

NM_000492.4(CFTR):c.4143C>G (p.Tyr1381Ter)

Gene: CFTR (CF transmembrane conductance regulator; plus strand). Cytogenetic location: 7q31.2.
Variant type: single nucleotide variant.
Coding change: c.4143C>G on transcript NM_000492.4 (MANE Select); coding-DNA position 4143, C replaced by G.
Protein change: p.Tyr1381Ter; replaces tyrosine 1381 with a stop codon.
Molecular consequence: nonsense.
Genome position (GRCh38, 1-based): chr7:117,665,465, C>G. VCF-style: chr7-117665465-C-G. GRCh37 (hg19) VCF-style: chr7-117305519-C-G.
Other names: short protein forms Y1381*.
Identifiers: ClinVar variation 371287 (VCV000371287.4), dbSNP rs397508683, ClinGen allele CA16041141.
Genomic context (GRCh38, chr7:117,665,465, plus strand): 5'-TACAGATCATTACTGTTCTGTGATATTATGTGTGGTATTTTCTTTCTTTTCTAGAACATA[C>G]CAAATAATTAGAAGAACTCTAAAACAAGCATTTGCTGATTGCACAGTAATTCTCTGTGAA-3'